The following is an entry in ClinVar:

ClinVar aggregate classification (germline): Likely pathogenic. Review status: criteria provided, single submitter (1 of 4 stars). 2 submissions from 2 submitters: Likely pathogenic (1). 1 of the submissions does not count toward it. Last evaluated 2025-09-10.

Conditions:
Autosomal dominant Alport syndrome (ATS3A). Also called: ALPORT SYNDROME 3A, AUTOSOMAL DOMINANT; Alport syndrome dominant type; Renal failure and sensorineural hearing loss. Identifiers: Orphanet 63, Orphanet 88918, MedGen C5882663, MONDO:0007086, OMIM 104200.
Autosomal recessive Alport syndrome (ATS2). Also called: Alport syndrome type 2; COL4A3-Related Nephropathy; ALPORT SYNDROME 2, AUTOSOMAL RECESSIVE; COL4A4 Alport Syndrome and Thin Basement Membrane Nephropathy. Identifiers: Orphanet 63, Orphanet 88919, MedGen C4746745, MONDO:0008762, OMIM 203780.

Submissions (2):

Genomic Medicine Center of Excellence, King Faisal Specialist Hospital and Research Centre
Classification: Likely pathogenic for Autosomal recessive Alport syndrome. Last evaluated: 2025-09-10. Review status: criteria provided, single submitter. Criteria: ACMG Guidelines, 2015. Collection method: clinical testing. Allele origin: germline.

Zhipeng Lab, Tongji Hospital
Classification: Affects for Autosomal dominant Alport syndrome. Last evaluated: 2021-07-07. Review status: no assertion criteria provided. Collection method: clinical testing. Allele origin: de novo. Inheritance: Autosomal dominant inheritance. Affected: yes. Not counted in ClinVar's aggregate classification.
Comment: The variant in COL4A3 has been reported in Alport syndrome. Here a novel variant (c.583G>A; p.G195S) have been identified in a Chinese family with autosomal dominant Alport syndrome.

NM_000091.5(COL4A3):c.583G>A (p.Gly195Ser)

Genes: MFF-DT (MFF divergent transcript; minus strand), COL4A3 (collagen type IV alpha 3 chain; plus strand). Cytogenetic location: 2q36.3.
Variant type: single nucleotide variant.
Coding change: c.583G>A on transcript NM_000091.5 (MANE Select); coding-DNA position 583, G replaced by A.
Protein change: p.Gly195Ser; replaces glycine 195 with serine.
Molecular consequence: missense variant.
Genome position (GRCh38, 1-based): chr2:227,251,176, G>A. VCF-style: chr2-227251176-G-A. GRCh37 (hg19) VCF-style: chr2-228115892-G-A.
Other names: short protein forms G195S.
Identifiers: ClinVar variation 1209573 (VCV001209573.4), dbSNP rs2125924619, ClinGen allele CA350863843.